The following is an entry in ClinVar:

NM_000455.5(STK11):c.795_796dup (p.Asn266fs)

Gene: STK11 (serine/threonine kinase 11; plus strand). Cytogenetic location: 19p13.3.
Variant type: Microsatellite.
Coding change: c.795_796dup on transcript NM_000455.5 (MANE Select); coding-DNA positions 795 to 796, 2 bases duplicated (GA; older notation c.795_796dupGA).
Protein change: p.Asn266fs; shifts the reading frame from asparagine 266.
Molecular consequence: frameshift variant.
Genome position (GRCh38, 1-based): chr19:1,221,273-1,221,274, GA duplicated; duplicating any 2 consecutive bases within chr19:1,221,271-1,221,274 gives the same sequence; the c. name uses the placement nearest the transcript's 3' end. VCF-style (leftmost placement, unchanged base first): chr19-1221270-T-TGA. GRCh37 (hg19) VCF-style: chr19-1221269-T-TGA.
Other names: short protein forms N266fs.
Identifiers: ClinVar variation 527838 (VCV000527838.7), dbSNP rs1555738656, ClinGen allele CA658799089.

ClinVar aggregate classification (germline): Pathogenic. Review status: criteria provided, multiple submitters, no conflicts (2 of 4 stars). 2 submissions from 2 submitters: Pathogenic (2). Last evaluated 2025-08-08.

Conditions:
Hereditary cancer-predisposing syndrome. Also called: Neoplastic Syndromes, Hereditary; Tumor predisposition; Hereditary neoplastic syndrome; Hereditary Cancer Syndrome. Identifiers: Orphanet 140162, MedGen C0027672, MeSH D009386, MONDO:0015356.
Peutz-Jeghers syndrome (PJS). Also called: POLYPOSIS, HAMARTOMATOUS INTESTINAL; POLYPS-AND-SPOTS SYNDROME; Peutz-Jeghers polyposis; Periorificial lentiginosis syndrome. Identifiers: Orphanet 2869, MedGen C0031269, MeSH D010580, MONDO:0008280, OMIM 175200.

Submissions (2):

Ambry Genetics
Classification: Pathogenic for Hereditary cancer-predisposing syndrome. Last evaluated: 2025-08-08. Review status: criteria provided, single submitter. Criteria: Ambry Variant Classification Scheme 2023. Collection method: clinical testing. Allele origin: germline.
Comment: The c.795_796dupGA pathogenic mutation, located in coding exon 6 of the STK11 gene, results from a duplication of GA at nucleotide position 795, causing a translational frameshift with a predicted alternate stop codon (p.N266Rfs*22). This variant is considered to be rare based on population cohorts in the Genome Aggregation Database (gnomAD). This alteration is expected to result in loss of function by premature protein truncation or nonsense-mediated mRNA decay. As such, this alteration is interpreted as a disease-causing mutation.

Labcorp Genetics (formerly Invitae), Labcorp
Classification: Pathogenic for Peutz-Jeghers syndrome. Last evaluated: 2017-12-15. Review status: criteria provided, single submitter. Criteria: Invitae Variant Classification Sherloc (09022015). Collection method: clinical testing. Allele origin: germline.
Comment: For these reasons, this variant has been classified as Pathogenic. Loss-of-function variants in STK11 are known to be pathogenic (PMID: 15188174, 16287113). This variant has not been reported in the literature in individuals with STK11-related disease. This variant is not present in population databases (ExAC no frequency). This sequence change creates a premature translational stop signal (p.Asn266Argfs*22) in the STK11 gene. It is expected to result in an absent or disrupted protein product.

Literature cited by the submitters: PubMed 15188174 (cited by Labcorp Genetics (formerly Invitae), Labcorp); PubMed 16287113 (cited by Labcorp Genetics (formerly Invitae), Labcorp).